The following is an entry in ClinVar:

NM_002458.3(MUC5B):c.6594C>G (p.His2198Gln)

Genes: MUC5B (mucin 5B, oligomeric mucus/gel-forming; plus strand), MUC5B-AS1 (MUC5B antisense RNA 1; minus strand). Cytogenetic location: 11p15.5.
Variant type: single nucleotide variant.
Coding change: c.6594C>G on transcript NM_002458.3 (MANE Select); coding-DNA position 6594, C replaced by G.
Protein change: p.His2198Gln; replaces histidine 2198 with glutamine.
Molecular consequence: missense variant.
Genome position (GRCh38, 1-based): chr11:1,243,474, C>G. VCF-style: chr11-1243474-C-G. GRCh37 (hg19) VCF-style: chr11-1264704-C-G.
Other names: short protein forms H2198Q.
Identifiers: ClinVar variation 2641220 (VCV002641220.24), dbSNP rs199522197, ClinGen allele CA5806053.

ClinVar aggregate classification (germline): Likely benign (1 of 4 stars; one submission).

Allele frequency attached by ClinVar (database versions not stated): 1000 Genomes Project 30x 0.00671.

Submission:

CeGaT Center for Human Genetics Tuebingen
Classification: Likely benign. Last evaluated: 2025-12-01. Review status: criteria provided, single submitter. Criteria: CeGaT Center For Human Genetics Tuebingen Variant Classification Criteria Version 2. Collection method: clinical testing. Allele origin: germline. Affected: yes. Observed: 6 variant alleles.
Comment: MUC5B: BP4, BS1